The following is an entry in ClinVar:

NM_001042492.3(NF1):c.177T>C (p.Thr59=)

Gene: NF1 (neurofibromin 1; plus strand). Cytogenetic location: 17q11.2.
Variant type: single nucleotide variant.
Coding change: c.177T>C on transcript NM_001042492.3 (MANE Select); coding-DNA position 177, T replaced by C.
Protein change: p.Thr59=; no amino-acid change (threonine 59 retained).
Molecular consequence: synonymous variant.
Genome position (GRCh38, 1-based): chr17:31,156,099, T>C. VCF-style: chr17-31156099-T-C. GRCh37 (hg19) VCF-style: chr17-29483117-T-C.
Other names: c.177T>C, p.Thr59= (NM_000267.4, NM_001128147.3).
Identifiers: ClinVar variation 3048087 (VCV003048087.3), dbSNP rs2143627216, ClinGen allele CA499232575.

ClinVar aggregate classification (germline): Likely benign. Review status: criteria provided, single submitter (1 of 4 stars). 2 submissions from 2 submitters: Likely benign (1). 1 of the submissions does not count toward it. Last evaluated 2026-05-17.

Conditions:
NF1-related disorder. Also called: NF1-related condition. Identifiers: MedGen CN379171.
Cardiovascular phenotype. Identifiers: MedGen CN230736.
Hereditary cancer-predisposing syndrome. Also called: Tumor predisposition; Hereditary neoplastic syndrome; Neoplastic Syndromes, Hereditary; Hereditary Cancer Syndrome. Identifiers: Orphanet 140162, MedGen C0027672, MeSH D009386, MONDO:0015356.

Submissions (2):

Ambry Genetics
Classification: Likely benign for Cardiovascular phenotype; Hereditary cancer-predisposing syndrome. Last evaluated: 2026-05-17. Review status: criteria provided, single submitter. Criteria: Ambry Variant Classification Scheme 2023. Collection method: clinical testing. Allele origin: germline.

PreventionGenetics, part of Exact Sciences
Classification: Likely benign for NF1-related condition. Last evaluated: 2023-12-06. Review status: no assertion criteria provided. Collection method: clinical testing. Allele origin: germline. Not counted in ClinVar's aggregate classification.
Comment: This variant is classified as likely benign based on ACMG/AMP sequence variant interpretation guidelines (Richards et al. 2015 PMID: 25741868, with internal and published modifications).